The following is an entry in ClinVar:

ClinVar aggregate classification (germline): Uncertain significance (1 of 4 stars; one submission).

Conditions:
F5-related disorder. Also called: F5-related condition.

Submission:

PreventionGenetics, part of Exact Sciences
Classification: Uncertain significance for F5-related condition. Last evaluated: 2023-03-28. Review status: criteria provided, single submitter. Criteria: ACMG Guidelines, 2015. Collection method: clinical testing. Allele origin: germline.
Comment: The F5 c.4081C>A variant is predicted to result in the amino acid substitution p.Pro1361Thr. To our knowledge, this variant has not been reported in the literature or in a large population database, indicating this variant is rare. At this time, the clinical significance of this variant is uncertain due to the absence of conclusive functional and genetic evidence.

NM_000130.5(F5):c.4081C>A (p.Pro1361Thr)

Gene: F5 (coagulation factor V; minus strand). Cytogenetic location: 1q24.2.
Variant type: single nucleotide variant.
Coding change: c.4081C>A on transcript NM_000130.5 (MANE Select); coding-DNA position 4081, C replaced by A.
Protein change: p.Pro1361Thr; replaces proline 1361 with threonine.
Molecular consequence: missense variant.
Genome position (GRCh38, 1-based): chr1:169,541,009, G>T on the plus strand (C>A on the coding strand, the complement: F5 is on the minus strand). VCF-style: chr1-169541009-G-T. GRCh37 (hg19) VCF-style: chr1-169510247-G-T.
Other names: short protein forms P1361T.
Identifiers: ClinVar variation 2633760 (VCV002633760.1), dbSNP rs1394872169, ClinGen allele CA343145712.
Genomic context (GRCh38, chr1:169,541,009, plus strand): 5'-GACTGAGTTCTGGAGAGAGGTTTGTCTGGCTGAGGTCTAGAGAAAGGGTTGTATGGCTGG[G>T]GTCTGGAGAAAGGGGCATCTGACCGAGGGCTGGGGAAAGGTTTGTTTGACTGAGTTCTGG-3'
Protein context (NP_000121.2, residues 1351-1371): ALGQMPLSPD[Pro1361Thr]SHTTLSLDLS